The following is an entry in ClinVar:

NM_058216.3(RAD51C):c.630T>G (p.Tyr210Ter)

Genes: RAD51C (RAD51 paralog C; plus strand), LOC129390903 (MPRA-validated peak2919 silencer; plus strand). Cytogenetic location: 17q22.
Variant type: single nucleotide variant.
Coding change: c.630T>G on transcript NM_058216.3 (MANE Select); coding-DNA position 630, T replaced by G.
Protein change: p.Tyr210Ter; replaces tyrosine 210 with a stop codon.
Molecular consequence: nonsense. On other transcripts: non-coding transcript variant (1).
Genome position (GRCh38, 1-based): chr17:58,703,254, T>G. VCF-style: chr17-58703254-T-G. GRCh37 (hg19) VCF-style: chr17-56780615-T-G.
Other names: short protein forms Y210*.
Identifiers: ClinVar variation 185074 (VCV000185074.22), dbSNP rs786201909, ClinGen allele CA190934.
Genomic context (GRCh38, chr17:58,703,254, plus strand): 5'-AGAACACCGAAAAGCTTTGGAGGATTTCACTCTTGATAATATTCTTTCTCATATTTATTA[T>G]TTTCGCTGTCGTGACTACACAGAGTTACTGGCACAAGTTTATCTTCTTCCAGATTTCCTT-3'

ClinVar aggregate classification (germline): Pathogenic/Likely pathogenic. Review status: criteria provided, multiple submitters, no conflicts (2 of 4 stars). 9 submissions from 9 submitters: Pathogenic (8); Likely pathogenic (1). Last evaluated 2024-05-12.

Conditions:
Breast and/or ovarian cancer. Identifiers: MedGen CN221562.
Hereditary cancer-predisposing syndrome. Also called: Tumor predisposition; Hereditary Cancer Syndrome; Hereditary neoplastic syndrome; Neoplastic Syndromes, Hereditary. Identifiers: Orphanet 140162, MedGen C0027672, MeSH D009386, MONDO:0015356.
Hereditary breast ovarian cancer syndrome. Also called: Breast and ovarian cancer; Hereditary breast and ovarian cancer syndrome; Hereditary breast and ovarian cancer; BRCA1- and BRCA2-Associated Hereditary Breast and Ovarian Cancer; Hereditary breast and ovarian cancer syndrome (HBOC); Hereditary breast and/or ovarian cancer syndrome. Identifiers: Orphanet 145, MedGen C0677776, MeSH D061325, MONDO:0003582. Disease mechanism: loss of function.
Fanconi anemia complementation group O. Also called: RAD51C-Related Fanconi Anemia. Identifiers: Orphanet 84, MedGen C3150653, MONDO:0013248, OMIM 613390.
Breast-ovarian cancer, familial, susceptibility to, 3. Also called: RAD51C-Related Breast/Ovarian Cancer. Identifiers: Orphanet 145, MedGen C3150659, MONDO:0013253, OMIM 613399.

Submissions (9):

Labcorp Genetics (formerly Invitae), Labcorp
Classification: Pathogenic for Fanconi anemia complementation group O. Last evaluated: 2024-05-12. Review status: criteria provided, single submitter. Criteria: Invitae Variant Classification Sherloc (09022015). Collection method: clinical testing. Allele origin: germline.
Comment: This sequence change creates a premature translational stop signal (p.Tyr210*) in the RAD51C gene. It is expected to result in an absent or disrupted protein product. Loss-of-function variants in RAD51C are known to be pathogenic (PMID: 20400964, 21990120, 24800917, 29278735). This variant is not present in population databases (gnomAD no frequency). This variant has not been reported in the literature in individuals affected with RAD51C-related conditions. ClinVar contains an entry for this variant (Variation ID: 185074). Studies have shown that this premature translational stop signal is associated with inconclusive levels of altered splicing (Invitae). For these reasons, this variant has been classified as Pathogenic.

Myriad Genetics, Inc.
Classification: Pathogenic for Breast-ovarian cancer, familial, susceptibility to, 3. Last evaluated: 2024-01-03. Review status: criteria provided, single submitter. Criteria: Myriad Autosomal Dominant, Autosomal Recessive and X-Linked Classification Criteria (2023). Collection method: clinical testing. Allele origin: unknown.
Comment: This variant is considered pathogenic. This variant creates a termination codon and is predicted to result in premature protein truncation.

Ambry Genetics
Classification: Pathogenic for Hereditary cancer-predisposing syndrome. Last evaluated: 2023-09-14. Review status: criteria provided, single submitter. Criteria: Ambry Variant Classification Scheme 2023. Collection method: clinical testing. Allele origin: germline.
Comment: The p.Y210* pathogenic mutation (also known as c.630T>G) located in coding exon 4 of the RAD51C gene, results from a T to G substitution at nucleotide position 630. This changes the amino acid from a tyrosine to a stop codon within coding exon 4. This alteration is expected to result in loss of function by premature protein truncation or nonsense-mediated mRNA decay. As such, this alteration is interpreted as a disease-causing mutation.

Quest Diagnostics Nichols Institute San Juan Capistrano
Classification: Pathogenic. Last evaluated: 2023-06-22. Review status: criteria provided, single submitter. Criteria: Quest Diagnostics criteria. Collection method: clinical testing. Allele origin: unknown.
Comment: The RAD51C c.630T>G (p.Tyr210*) variant causes the premature termination of RAD51C protein synthesis. This variant has been reported in the published literature in an individual with ovarian cancer (PMID: 30128536 (2018)). This variant has not been reported in large, multi-ethnic general populations (Genome Aggregation Database). Based on the available information, this variant is classified as pathogenic.

Color Diagnostics, LLC DBA Color Health
Classification: Pathogenic for Hereditary cancer-predisposing syndrome. Last evaluated: 2021-07-14. Review status: criteria provided, single submitter. Criteria: ACMG Guidelines, 2015. Collection method: clinical testing. Allele origin: germline.
Comment: This variant changes 1 nucleotide in exon 4 of the RAD51C gene, creating a premature translation stop signal. This variant is expected to result in an absent or non-functional protein product. This variant has been reported in an individual affected with ovarian cancer (PMID: 30128536). This variant has not been identified in the general population by the Genome Aggregation Database (gnomAD). Loss of RAD51C function is a known mechanism of disease. Based on the available evidence, this variant is classified as Pathogenic.

Baylor Genetics
Classification: Pathogenic for Breast-ovarian cancer, familial, susceptibility to, 3. Last evaluated: 2021-04-20. Review status: criteria provided, single submitter. Criteria: ACMG Guidelines, 2015. Collection method: clinical testing. Allele origin: unknown.

CHEO Genetics Diagnostic Laboratory, Children's Hospital of Eastern Ontario
Classification: Likely pathogenic for Breast and/or ovarian cancer. Last evaluated: 2019-12-12. Review status: criteria provided, single submitter. Criteria: ACMG Guidelines, 2015. Collection method: clinical testing. Allele origin: germline.

Women's Health and Genetics/Laboratory Corporation of America, LabCorp
Classification: Pathogenic for Hereditary breast and ovarian cancer syndrome. Last evaluated: 2019-04-25. Review status: criteria provided, single submitter. Criteria: LabCorp Variant Classification Summary - May 2015. Collection method: clinical testing. Allele origin: germline.
Comment: Variant summary: RAD51C c.630T>G (p.Tyr210X) results in a premature termination codon, predicted to cause a truncation of the encoded protein or absence of the protein due to nonsense mediated decay, which are commonly known mechanisms for disease. The variant was absent in 251252 control chromosomes (gnomAD) but has been reported in the literature in an individual affected with ovarian cancer (Lu_2018) and an unknown phenotype (LaDuca_2017). To our knowledge, no experimental evidence demonstrating an impact on protein function has been reported. Three submitters have submitted clinical-significance assessments for this variant to ClinVar after 2014 without evidence for independent evaluation. All laboratories classified the variant as pathogenic. Based on the evidence outlined above, the variant was classified as pathogenic.

GeneDx
Classification: Pathogenic. Last evaluated: 2018-11-07. Review status: criteria provided, single submitter. Criteria: GeneDx Variant Classification (06012015). Collection method: clinical testing. Allele origin: germline. Affected: yes.
Comment: This variant is denoted RAD51C c.630T>G at the cDNA level and p.Tyr210Ter (Y210X) at the protein level. The substitution creates a nonsense variant, which changes a Tyrosine to a premature stop codon (TAT>TAG), and is predicted to cause loss of normal protein function through either protein truncation or nonsense-mediated mRNA decay. This variant has been observed in at least one individual undergoing multi-gene panel testing (LaDuca 2017) and is considered pathogenic.

Literature cited by the submitters: PubMed 20400964 (cited by Labcorp Genetics (formerly Invitae), Labcorp); PubMed 21990120 (cited by Labcorp Genetics (formerly Invitae), Labcorp); PubMed 24800917 (cited by Labcorp Genetics (formerly Invitae), Labcorp); PubMed 29278735 (cited by Labcorp Genetics (formerly Invitae), Labcorp); PubMed 30128536 (cited by Quest Diagnostics Nichols Institute San Juan Capistrano and Women's Health and Genetics/Laboratory Corporation of America, LabCorp); PubMed 28152038 (cited by Quest Diagnostics Nichols Institute San Juan Capistrano and Women's Health and Genetics/Laboratory Corporation of America, LabCorp).